The following is an entry in ClinVar:

ClinVar aggregate classification (germline): Likely benign. Review status: criteria provided, single submitter (1 of 4 stars). 2 submissions from 2 submitters: Likely benign (1). 1 of the submissions does not count toward it. Last evaluated 2024-09-12.

Conditions:
SLC7A9-related disorder. Also called: SLC7A9-related condition.

Allele frequency attached by ClinVar (database versions not stated): 1000 Genomes Project 0.00020; TOPMed 0.00030; gnomAD exomes 0.00041; ESP Exome Variant Server 0.00046; 1000 Genomes Project 30x 0.00047; ExAC 0.00093; gnomAD 0.00122.
gnomAD v4.1: 792 of 1,608,592 alleles (0.049%); highest among the groups gnomAD compares: African/African-American, 0.084%; 6 homozygotes.

Submissions (2):

Blueprint Genetics
Classification: Likely benign. Last evaluated: 2024-09-12. Review status: criteria provided, single submitter. Criteria: ACMG Guidelines, 2015. Collection method: clinical testing. Allele origin: germline.

PreventionGenetics, part of Exact Sciences
Classification: Benign for SLC7A9-related condition. Last evaluated: 2019-11-06. Review status: no assertion criteria provided. Collection method: clinical testing. Allele origin: germline. Not counted in ClinVar's aggregate classification.
Comment: This variant is classified as benign based on ACMG/AMP sequence variant interpretation guidelines (Richards et al. 2015 PMID: 25741868, with internal and published modifications).

NM_014270.5(SLC7A9):c.*9G>A

Gene: SLC7A9 (solute carrier family 7 member 9; minus strand). Cytogenetic location: 19q13.11.
Variant type: single nucleotide variant.
Coding change: c.*9G>A on transcript NM_014270.5 (MANE Select); 9 bases downstream of the stop codon, G replaced by A.
Molecular consequence: 3 prime UTR variant.
Genome position (GRCh38, 1-based): chr19:32,830,611, C>T on the plus strand (G>A on the coding strand, the complement: SLC7A9 is on the minus strand). VCF-style: chr19-32830611-C-T. GRCh37 (hg19) VCF-style: chr19-33321517-C-T.
Other names: c.*9G>A (NM_001126335.2, NM_001243036.2).
Identifiers: ClinVar variation 3045178 (VCV003045178.3), dbSNP rs200347500, ClinGen allele CA9358381.